The following is an entry in ClinVar:

NM_080680.3(COL11A2):c.568A>G (p.Ile190Val)

Gene: COL11A2 (collagen type XI alpha 2 chain; minus strand). Cytogenetic location: 6p21.32.
Variant type: single nucleotide variant.
Coding change: c.568A>G on transcript NM_080680.3 (MANE Select); coding-DNA position 568, A replaced by G.
Protein change: p.Ile190Val; replaces isoleucine 190 with valine.
Molecular consequence: missense variant. On other transcripts: 5 prime UTR variant (3), non-coding transcript variant (1).
Genome position (GRCh38, 1-based): chr6:33,188,400, T>C on the plus strand (A>G on the coding strand, the complement: COL11A2 is on the minus strand). VCF-style: chr6-33188400-T-C. GRCh37 (hg19) VCF-style: chr6-33156177-T-C.
Other names: c.568A>G, p.Ile190Val (NM_001163771.2, NM_001424108.1, NM_080679.3 and 1 more transcripts); c.-279A>G (NM_001424109.1, NM_001424110.1, NM_001424111.1); short protein forms I190V.
Identifiers: ClinVar variation 4738270 (VCV004738270.1).

ClinVar aggregate classification (germline): Uncertain significance (1 of 4 stars; one submission).

Submission:

Labcorp Genetics (formerly Invitae), Labcorp
Classification: Uncertain significance. Last evaluated: 2025-05-25. Review status: criteria provided, single submitter. Criteria: Invitae Variant Classification Sherloc (09022015). Collection method: clinical testing. Allele origin: germline.
Comment: This sequence change replaces isoleucine, which is neutral and non-polar, with valine, which is neutral and non-polar, at codon 190 of the COL11A2 protein (p.Ile190Val). This variant is not present in population databases (gnomAD no frequency). This variant has not been reported in the literature in individuals affected with COL11A2-related conditions. Invitae Evidence Modeling of protein sequence and biophysical properties (such as structural, functional, and spatial information, amino acid conservation, physicochemical variation, residue mobility, and thermodynamic stability) indicates that this missense variant is not expected to disrupt COL11A2 protein function with a negative predictive value of 95%. In summary, the available evidence is currently insufficient to determine the role of this variant in disease. Therefore, it has been classified as a Variant of Uncertain Significance.